The following is an entry in ClinVar:

ClinVar aggregate classification (germline): Uncertain significance (1 of 4 stars; one submission).

Conditions:
Familial hemophagocytic lymphohistiocytosis 3 (FHL3). Also called: UNC13D-Related Familial Hemophagocytic Lymphohistiocytosis (UNC13D-fHLH). Identifiers: Orphanet 540, MedGen C1837174, MONDO:0012146, OMIM 608898.

gnomAD v4.1: 1 of 1,612,770 alleles (0.000062%); no homozygotes.

Submission:

Labcorp Genetics (formerly Invitae), Labcorp
Classification: Uncertain significance for Familial hemophagocytic lymphohistiocytosis 3. Last evaluated: 2024-02-23. Review status: criteria provided, single submitter. Criteria: Invitae Variant Classification Sherloc (09022015). Collection method: clinical testing. Allele origin: germline.
Comment: This sequence change replaces arginine, which is basic and polar, with glycine, which is neutral and non-polar, at codon 16 of the UNC13D protein (p.Arg16Gly). This variant is present in population databases (no rsID available, gnomAD 0.0009%). This variant has not been reported in the literature in individuals affected with UNC13D-related conditions. ClinVar contains an entry for this variant (Variation ID: 1428272). An algorithm developed to predict the effect of missense changes on protein structure and function (PolyPhen-2) suggests that this variant is likely to be disruptive. In summary, the available evidence is currently insufficient to determine the role of this variant in disease. Therefore, it has been classified as a Variant of Uncertain Significance.

NM_199242.3(UNC13D):c.46C>G (p.Arg16Gly)

Gene: UNC13D (unc-13 homolog D; minus strand). Cytogenetic location: 17q25.1.
Variant type: single nucleotide variant.
Coding change: c.46C>G on transcript NM_199242.3 (MANE Select); coding-DNA position 46, C replaced by G.
Protein change: p.Arg16Gly; replaces arginine 16 with glycine.
Molecular consequence: missense variant.
Genome position (GRCh38, 1-based): chr17:75,844,292, G>C on the plus strand (C>G on the coding strand, the complement: UNC13D is on the minus strand). VCF-style: chr17-75844292-G-C. GRCh37 (hg19) VCF-style: chr17-73840373-G-C.
Other names: short protein forms R16G.
Identifiers: ClinVar variation 1428272 (VCV001428272.8), dbSNP rs370709761, ClinGen allele CA401120387.